The following is an entry in ClinVar:

ClinVar aggregate classification (germline): Uncertain significance (1 of 4 stars; one submission).

Conditions:
Autosomal dominant nocturnal frontal lobe epilepsy 5. Also called: Epilepsy, nocturnal frontal lobe, 5; CILIARY DYSKINESIA, PRIMARY, 28, WITHOUT SITUS INVERSUS; CILIARY DYSKINESIA, PRIMARY, 28, WITH SITUS INVERSUS; KCNT1-Related Epilepsy. Identifiers: Orphanet 98784, MedGen C3554306, MONDO:0014002, OMIM 615005.
Developmental and epileptic encephalopathy, 14 (DEE14). Also called: Early infantile epileptic encephalopathy 14. Identifiers: Orphanet 293181, MedGen C3554195, MONDO:0013989, OMIM 614959.

Allele frequency attached by ClinVar (database versions not stated): gnomAD exomes below 0.00001; gnomAD 0.00001; TOPMed 0.00001; ExAC 0.00002.
gnomAD v4.1: 6 of 1,597,852 alleles (0.00038%); highest among the groups gnomAD compares: African/African-American, 0.004%; no homozygotes.

Submission:

Labcorp Genetics (formerly Invitae), Labcorp
Classification: Uncertain significance for Autosomal dominant nocturnal frontal lobe epilepsy 5; Developmental and epileptic encephalopathy, 14. Last evaluated: 2025-12-20. Review status: criteria provided, single submitter. Criteria: Invitae Variant Classification Sherloc (09022015). Collection method: clinical testing. Allele origin: germline.
Comment: This sequence change replaces arginine, which is basic and polar, with cysteine, which is neutral and slightly polar, at codon 1143 of the KCNT1 protein (p.Arg1143Cys). The frequency data for this variant in the population databases is considered unreliable, as metrics indicate poor data quality at this position in the gnomAD database. This variant has not been reported in the literature in individuals affected with KCNT1-related conditions. ClinVar contains an entry for this variant (Variation ID: 1983111). Invitae Evidence Modeling of protein sequence and biophysical properties (such as structural, functional, and spatial information, amino acid conservation, physicochemical variation, residue mobility, and thermodynamic stability) indicates that this missense variant is not expected to disrupt KCNT1 protein function with a negative predictive value of 80%. In summary, the available evidence is currently insufficient to determine the role of this variant in disease. Therefore, it has been classified as a Variant of Uncertain Significance.

NM_020822.3(KCNT1):c.3427C>T (p.Arg1143Cys)

Gene: KCNT1 (potassium sodium-activated channel subfamily T member 1; plus strand). Cytogenetic location: 9q34.3.
Variant type: single nucleotide variant.
Coding change: c.3427C>T on transcript NM_020822.3 (MANE Select); coding-DNA position 3427, C replaced by T.
Protein change: p.Arg1143Cys; replaces arginine 1143 with cysteine.
Molecular consequence: missense variant.
Genome position (GRCh38, 1-based): chr9:135,786,446, C>T. VCF-style: chr9-135786446-C-T. GRCh37 (hg19) VCF-style: chr9-138678292-C-T.
Other names: c.3292C>T, p.Arg1098Cys (NM_001272003.2); short protein forms R1143C, R1098C.
Identifiers: ClinVar variation 1983111 (VCV001983111.4), dbSNP rs760923308, ClinGen allele CA5327815.
Genomic context (GRCh38, chr9:135,786,446, plus strand): 5'-CAGGCAGGCCGGGCGGCGGCCGCGGAGTGGATCAGCCAGCAGCGCCTCAGCCTGTACCGG[C>T]GCTCTGAGCGCCAGGAGCTCTCCGAGCTGGTGAAGAACCGCATGAAGCACCTGGGGCTGC-3'
Protein context (NP_065873.2, residues 1133-1153): ISQQRLSLYR[Arg1143Cys]SERQELSELV